The following is an entry in ClinVar:

ClinVar aggregate classification (germline): Uncertain significance (1 of 4 stars; one submission).

Conditions:
Cardiovascular phenotype. Identifiers: MedGen CN230736.

gnomAD v4.1: 2 of 1,614,134 alleles (0.00012%); highest among the groups gnomAD compares: Non-Finnish European, 0.00017%; no homozygotes.

Submission:

Ambry Genetics
Classification: Uncertain significance for Cardiovascular phenotype. Last evaluated: 2025-10-14. Review status: criteria provided, single submitter. Criteria: Ambry Variant Classification Scheme 2023. Collection method: clinical testing. Allele origin: germline.
Comment: The p.L673R variant (also known as c.2018T>G), located in coding exon 14 of the APOB gene, results from a T to G substitution at nucleotide position 2018. The leucine at codon 673 is replaced by arginine, an amino acid with dissimilar properties. This amino acid position is conserved. In addition, this alteration is predicted to be deleterious by in silico analysis. Based on the available evidence, the clinical significance of this variant remains unclear.

NM_000384.3(APOB):c.2018T>G (p.Leu673Arg)

Gene: APOB (apolipoprotein B; minus strand). Cytogenetic location: 2p24.1.
Variant type: single nucleotide variant.
Coding change: c.2018T>G on transcript NM_000384.3 (MANE Select); coding-DNA position 2018, T replaced by G.
Protein change: p.Leu673Arg; replaces leucine 673 with arginine.
Molecular consequence: missense variant.
Genome position (GRCh38, 1-based): chr2:21,027,877, A>C on the plus strand (T>G on the coding strand, the complement: APOB is on the minus strand). VCF-style: chr2-21027877-A-C. GRCh37 (hg19) VCF-style: chr2-21250749-A-C.
Other names: short protein forms L673R.
Identifiers: ClinVar variation 4613661 (VCV004613661.1).
Genomic context (GRCh38, chr2:21,027,877, plus strand): 5'-TTCACACTTACCTCGATGAGGTCAGCTGAAGCAAATCCAAAGGCAGTGAGGGTAGTTTTC[A>C]GCATGCTTTCTTTAGGAAGGTAGTTATTTGGATCAAATATAAGATTCCCTTCTATTTTGG-3'
Protein context (NP_000375.3, residues 663-683): PNNYLPKESM[Leu673Arg]KTTLTAFGFA